The following is an entry in ClinVar:

ClinVar aggregate classification (germline): Uncertain significance. Review status: criteria provided, multiple submitters, no conflicts (2 of 4 stars). 4 submissions from 3 submitters: Uncertain significance (4). Last evaluated 2025-06-29.

Conditions:
LAMB2-related infantile-onset nephrotic syndrome. Also called: NEPHROTIC SYNDROME, TYPE 5, WITHOUT OCULAR ABNORMALITIES; NEPHROTIC SYNDROME, TYPE 5, WITH OCULAR ABNORMALITIES; Nephrotic Syndrome, type 5. Identifiers: Orphanet 306507, MedGen C3280113, MONDO:0013621, OMIM 614199.
Pierson syndrome. Also called: MICROCORIA-CONGENITAL NEPHROTIC SYNDROME. Identifiers: Orphanet 2670, MedGen C1836876, MONDO:0012184, OMIM 609049.

Allele frequency attached by ClinVar (database versions not stated): gnomAD 0.00002 and 0.00003; TOPMed 0.00002; gnomAD exomes 0.00004 and 0.00011; ExAC 0.00012.

Submissions (4):

Labcorp Genetics (formerly Invitae), Labcorp
Classification: Uncertain significance for LAMB2-related infantile-onset nephrotic syndrome; Pierson syndrome. Last evaluated: 2025-06-29. Review status: criteria provided, single submitter. Criteria: Invitae Variant Classification Sherloc (09022015). Collection method: clinical testing. Allele origin: germline.
Comment: This sequence change replaces arginine, which is basic and polar, with glutamine, which is neutral and polar, at codon 937 of the LAMB2 protein (p.Arg937Gln). This variant is present in population databases (rs201235061, gnomAD 0.05%), including at least one homozygous and/or hemizygous individual. This variant has not been reported in the literature in individuals affected with LAMB2-related conditions. ClinVar contains an entry for this variant (Variation ID: 345996). An algorithm developed to predict the effect of missense changes on protein structure and function (PolyPhen-2) suggests that this variant is likely to be tolerated. In summary, the available evidence is currently insufficient to determine the role of this variant in disease. Therefore, it has been classified as a Variant of Uncertain Significance.

Fulgent Genetics
Classification: Uncertain significance for Pierson syndrome; LAMB2-related infantile-onset nephrotic syndrome. Last evaluated: 2021-08-17. Review status: criteria provided, single submitter. Criteria: ACMG Guidelines, 2015. Collection method: clinical testing. Allele origin: unknown.

Illumina Laboratory Services, Illumina
Classification: Uncertain significance for Pierson syndrome. Last evaluated: 2018-01-12. Review status: criteria provided, single submitter. Criteria: ICSL Variant Classification Criteria 13 December 2019. Collection method: clinical testing. Allele origin: germline.

Illumina Laboratory Services, Illumina
Classification: Uncertain significance for LAMB2-related infantile-onset nephrotic syndrome. Last evaluated: 2018-01-12. Review status: criteria provided, single submitter. Criteria: ICSL Variant Classification Criteria 13 December 2019. Collection method: clinical testing. Allele origin: germline.

NM_002292.4(LAMB2):c.2810G>A (p.Arg937Gln)

Gene: LAMB2 (laminin subunit beta 2; minus strand). Cytogenetic location: 3p21.31.
Variant type: single nucleotide variant.
Coding change: c.2810G>A on transcript NM_002292.4 (MANE Select); coding-DNA position 2810, G replaced by A.
Protein change: p.Arg937Gln; replaces arginine 937 with glutamine.
Molecular consequence: missense variant.
Genome position (GRCh38, 1-based): chr3:49,125,080, C>T on the plus strand (G>A on the coding strand, the complement: LAMB2 is on the minus strand). VCF-style: chr3-49125080-C-T. GRCh37 (hg19) VCF-style: chr3-49162513-C-T.
Other names: short protein forms R937Q.
Identifiers: ClinVar variation 345996 (VCV000345996.8), dbSNP rs201235061, ClinGen allele CA2394201.